The following is an entry in ClinVar:

NM_001267550.2(TTN):c.100284C>T (p.Tyr33428=)

Genes: TTN (titin; minus strand), TTN-AS1 (TTN antisense RNA 1; plus strand), LOC126806420 (BRD4-independent group 4 enhancer GRCh37_chr2:179401104-179402303; plus strand). Cytogenetic location: 2q31.2.
Variant type: single nucleotide variant.
Coding change: c.100284C>T on transcript NM_001267550.2 (MANE Select); coding-DNA position 100284, C replaced by T.
Protein change: p.Tyr33428=; no amino-acid change (tyrosine 33428 retained).
Molecular consequence: synonymous variant.
Genome position (GRCh38, 1-based): chr2:178,536,463, G>A on the plus strand (C>T on the coding strand, the complement: TTN is on the minus strand). VCF-style: chr2-178536463-G-A. GRCh37 (hg19) VCF-style: chr2-179401190-G-A.
Other names: c.95361C>T, p.Tyr31787= (NM_001256850.1); c.73089C>T, p.Tyr24363= (NM_003319.4); c.92580C>T, p.Tyr30860= (NM_133378.4); c.73464C>T, p.Tyr24488= (NM_133432.3); c.73665C>T, p.Tyr24555= (NM_133437.4).
Identifiers: ClinVar variation 1563664 (VCV001563664.12), dbSNP rs1440086089, ClinGen allele CA430238627.

ClinVar aggregate classification (germline): Likely benign. Review status: criteria provided, multiple submitters, no conflicts (2 of 4 stars). 4 submissions from 4 submitters: Likely benign (4). Last evaluated 2026-01-22.

Conditions:
Dilated cardiomyopathy 1G (CMD1G). Identifiers: Orphanet 154, MedGen C1858763, MONDO:0011400, OMIM 604145.
Autosomal recessive limb-girdle muscular dystrophy type 2J (LGMDR10). Also called: Limb-girdle muscular dystrophy, type 2J; MUSCULAR DYSTROPHY, LIMB-GIRDLE, AUTOSOMAL RECESSIVE 10. Identifiers: Orphanet 140922, MedGen C1837342, MONDO:0012127, OMIM 608807.
TTN-related disorder. Also called: TTN-related disorders; TTN-related condition; TTN-related disease.
Cardiovascular phenotype. Identifiers: MedGen CN230736.

Allele frequency attached by ClinVar (database versions not stated): gnomAD 0.00003; TOPMed 0.00009.
gnomAD v4.1: 7 of 1,603,230 alleles (0.00044%); highest among the groups gnomAD compares: Admixed American, 0.0068%; no homozygotes.

Submissions (4):

Labcorp Genetics (formerly Invitae), Labcorp
Classification: Likely benign for Dilated cardiomyopathy 1G; Autosomal recessive limb-girdle muscular dystrophy type 2J. Last evaluated: 2026-01-22. Review status: criteria provided, single submitter. Criteria: Invitae Variant Classification Sherloc (09022015). Collection method: clinical testing. Allele origin: germline.

PreventionGenetics, part of Exact Sciences
Classification: Likely benign for TTN-related condition. Last evaluated: 2025-09-08. Review status: criteria provided, single submitter. Criteria: ACMG Guidelines, 2015. Collection method: clinical testing. Allele origin: germline.
Comment: This variant is classified as likely benign based on ACMG/AMP sequence variant interpretation guidelines (Richards et al. 2015 PMID: 25741868, with internal and published modifications).

Women's Health and Genetics/Laboratory Corporation of America, LabCorp
Classification: Likely benign. Last evaluated: 2024-10-20. Review status: criteria provided, single submitter. Criteria: LabCorp Variant Classification Summary - May 2015. Collection method: clinical testing. Allele origin: germline.

Ambry Genetics
Classification: Likely benign for Cardiovascular phenotype. Last evaluated: 2021-12-14. Review status: criteria provided, single submitter. Criteria: Ambry Variant Classification Scheme 2023. Collection method: clinical testing. Allele origin: germline.